The following is an entry in ClinVar:

ClinVar aggregate classification (germline): Uncertain significance. Review status: criteria provided, multiple submitters, no conflicts (2 of 4 stars). 3 submissions from 3 submitters: Uncertain significance (3). Last evaluated 2024-05-27.

Conditions:
Retinal dystrophy. Also called: Inherited retinal dystrophy. Identifiers: Orphanet 71862, MedGen C0854723, MeSH D058499, MONDO:0019118, HP:0000556.

Allele frequency attached by ClinVar (database versions not stated): gnomAD 0.00004 and 0.00005; gnomAD exomes 0.00007 and 0.00018; TOPMed 0.00009; ExAC 0.00016.
gnomAD v4.1: 113 of 1,613,200 alleles (0.007%); highest among the groups gnomAD compares: South Asian, 0.088%; 1 homozygote.

Submissions (3):

Ophthalmic Genetics Group, Institute of Molecular and Clinical Ophthalmology Basel
Classification: Uncertain significance for Retinal dystrophy. Last evaluated: 2024-05-27. Review status: criteria provided, single submitter. Criteria: ACMG Guidelines, 2015. Collection method: research. Allele origin: germline. Affected: yes. Observed: 1 variant allele.
Comment: This variant was classified as Uncertain significance based on ACMG criteria: PM2_mod, PM3_sup, BP1_sup and BP4_sup

Labcorp Genetics (formerly Invitae), Labcorp
Classification: Uncertain significance. Last evaluated: 2022-10-18. Review status: criteria provided, single submitter. Criteria: Invitae Variant Classification Sherloc (09022015). Collection method: clinical testing. Allele origin: germline.
Comment: This sequence change replaces arginine, which is basic and polar, with cysteine, which is neutral and slightly polar, at codon 512 of the TTLL5 protein (p.Arg512Cys). This variant is present in population databases (rs746661330, gnomAD 0.09%). This variant has not been reported in the literature in individuals affected with TTLL5-related conditions. ClinVar contains an entry for this variant (Variation ID: 844285). Advanced modeling of protein sequence and biophysical properties (such as structural, functional, and spatial information, amino acid conservation, physicochemical variation, residue mobility, and thermodynamic stability) performed at Invitae indicates that this missense variant is not expected to disrupt TTLL5 protein function. In summary, the available evidence is currently insufficient to determine the role of this variant in disease. Therefore, it has been classified as a Variant of Uncertain Significance.

Blueprint Genetics
Classification: Uncertain significance. Last evaluated: 2022-09-29. Review status: criteria provided, single submitter. Criteria: ACMG Guidelines, 2015. Collection method: clinical testing. Allele origin: germline.

Literature cited by the submitters: PubMed 40180963 (cited by Ophthalmic Genetics Group, Institute of Molecular and Clinical Ophthalmology Basel).

NM_015072.5(TTLL5):c.1534C>T (p.Arg512Cys)

Gene: TTLL5 (tubulin tyrosine ligase like 5; plus strand). Cytogenetic location: 14q24.3.
Variant type: single nucleotide variant.
Coding change: c.1534C>T on transcript NM_015072.5 (MANE Select); coding-DNA position 1534, C replaced by T.
Protein change: p.Arg512Cys; replaces arginine 512 with cysteine.
Molecular consequence: missense variant.
Genome position (GRCh38, 1-based): chr14:75,752,939, C>T. VCF-style: chr14-75752939-C-T. GRCh37 (hg19) VCF-style: chr14-76219282-C-T.
Other names: NP_055887.3:p.(Arg512Cys); short protein forms R512C.
Identifiers: ClinVar variation 844285 (VCV000844285.11), dbSNP rs746661330, ClinGen allele CA7279419.